The following is an entry in ClinVar:

NM_020461.4(TUBGCP6):c.1291-3C>T

Gene: TUBGCP6 (tubulin gamma complex component 6; minus strand). Cytogenetic location: 22q13.33.
Variant type: single nucleotide variant.
Coding change: c.1291-3C>T on transcript NM_020461.4 (MANE Select); 3 bases into the intron before coding-DNA position 1291, C replaced by T.
Molecular consequence: intron variant.
Genome position (GRCh38, 1-based): chr22:50,228,031, G>A on the plus strand (C>T on the coding strand, the complement: TUBGCP6 is on the minus strand). VCF-style: chr22-50228031-G-A. GRCh37 (hg19) VCF-style: chr22-50666460-G-A.
Identifiers: ClinVar variation 1437289 (VCV001437289.3), dbSNP rs761571826, ClinGen allele CA10308741.

ClinVar aggregate classification (germline): Uncertain significance (1 of 4 stars; one submission).

Allele frequency attached by ClinVar (database versions not stated): TOPMed below 0.00001; gnomAD 0.00001; gnomAD exomes 0.00001.
gnomAD v4.1: 9 of 1,544,724 alleles (0.00058%); highest among the groups gnomAD compares: Non-Finnish European, 0.0007%; no homozygotes.

Submission:

Labcorp Genetics (formerly Invitae), Labcorp
Classification: Uncertain significance. Last evaluated: 2022-09-12. Review status: criteria provided, single submitter. Criteria: Invitae Variant Classification Sherloc (09022015). Collection method: clinical testing. Allele origin: germline.
Comment: This sequence change falls in intron 4 of the TUBGCP6 gene. It does not directly change the encoded amino acid sequence of the TUBGCP6 protein. It affects a nucleotide within the consensus splice site. This variant is present in population databases (rs761571826, gnomAD 0.001%). This variant has not been reported in the literature in individuals affected with TUBGCP6-related conditions. ClinVar contains an entry for this variant (Variation ID: 1437289). Variants that disrupt the consensus splice site are a relatively common cause of aberrant splicing (PMID: 17576681, 9536098). Algorithms developed to predict the effect of sequence changes on RNA splicing suggest that this variant is not likely to affect RNA splicing. In summary, the available evidence is currently insufficient to determine the role of this variant in disease. Therefore, it has been classified as a Variant of Uncertain Significance.

Literature cited by the submitters: PubMed 17576681; PubMed 9536098.